The following is an entry in ClinVar:

NM_001257096.2(PAX1):c.958A>G (p.Met320Val)

Gene: PAX1 (paired box 1; plus strand). Cytogenetic location: 20p11.22.
Variant type: single nucleotide variant.
Coding change: c.958A>G on transcript NM_001257096.2 (MANE Select); coding-DNA position 958, A replaced by G.
Protein change: p.Met320Val; replaces methionine 320 with valine.
Molecular consequence: missense variant.
Genome position (GRCh38, 1-based): chr20:21,708,599, A>G. VCF-style: chr20-21708599-A-G. GRCh37 (hg19) VCF-style: chr20-21689237-A-G.
Other names: c.958A>G, p.Met320Val (NM_006192.5); short protein forms M320V.
Identifiers: ClinVar variation 2110141 (VCV002110141.4), dbSNP rs1985092324, ClinGen allele CA408499071.

ClinVar aggregate classification (germline): Uncertain significance (1 of 4 stars; one submission).

Allele frequency attached by ClinVar (database versions not stated): gnomAD exomes below 0.00001.
gnomAD v4.1: 4 of 1,613,782 alleles (0.00025%); highest among the groups gnomAD compares: South Asian, 0.0044%; no homozygotes.

Submission:

Labcorp Genetics (formerly Invitae), Labcorp
Classification: Uncertain significance. Last evaluated: 2022-12-02. Review status: criteria provided, single submitter. Criteria: Invitae Variant Classification Sherloc (09022015). Collection method: clinical testing. Allele origin: germline.
Comment: This sequence change replaces methionine, which is neutral and non-polar, with valine, which is neutral and non-polar, at codon 320 of the PAX1 protein (p.Met320Val). In summary, the available evidence is currently insufficient to determine the role of this variant in disease. Therefore, it has been classified as a Variant of Uncertain Significance. Advanced modeling of protein sequence and biophysical properties (such as structural, functional, and spatial information, amino acid conservation, physicochemical variation, residue mobility, and thermodynamic stability) performed at Invitae indicates that this missense variant is not expected to disrupt PAX1 protein function. This variant has not been reported in the literature in individuals affected with PAX1-related conditions. This variant is not present in population databases (gnomAD no frequency).